The following is an entry in ClinVar:

NM_003442.6(ZNF143):c.1643A>G (p.His548Arg)

Gene: ZNF143 (zinc finger protein 143; plus strand). Cytogenetic location: 11p15.4.
Variant type: single nucleotide variant.
Coding change: c.1643A>G on transcript NM_003442.6 (MANE Select); coding-DNA position 1643, A replaced by G.
Protein change: p.His548Arg; replaces histidine 548 with arginine.
Molecular consequence: missense variant.
Genome position (GRCh38, 1-based): chr11:9,516,319, A>G. VCF-style: chr11-9516319-A-G. GRCh37 (hg19) VCF-style: chr11-9537866-A-G.
Other names: c.1640A>G, p.His547Arg (NM_001282656.2); c.1550A>G, p.His517Arg (NM_001282657.2); short protein forms H548R, H547R, H517R.
Identifiers: ClinVar variation 3474331 (VCV003474331.2).

ClinVar aggregate classification (germline): Uncertain significance. Review status: criteria provided, multiple submitters, no conflicts (2 of 4 stars). 2 submissions from 2 submitters: Uncertain significance (2). Last evaluated 2025-05-12.

Submissions (2):

Labcorp Genetics (formerly Invitae), Labcorp
Classification: Uncertain significance. Last evaluated: 2025-05-12. Review status: criteria provided, single submitter. Criteria: Invitae Variant Classification Sherloc (09022015). Collection method: clinical testing. Allele origin: germline.
Comment: This sequence change replaces histidine, which is basic and polar, with arginine, which is basic and polar, at codon 548 of the ZNF143 protein (p.His548Arg). This variant is present in population databases (rs756944750, gnomAD 0.02%). This variant has not been reported in the literature in individuals affected with ZNF143-related conditions. ClinVar contains an entry for this variant (Variation ID: 3474331). An algorithm developed to predict the effect of missense changes on protein structure and function (PolyPhen-2) suggests that this variant is likely to be disruptive. In summary, the available evidence is currently insufficient to determine the role of this variant in disease. Therefore, it has been classified as a Variant of Uncertain Significance.

Ambry Genetics
Classification: Uncertain significance. Last evaluated: 2024-12-04. Review status: criteria provided, single submitter. Criteria: Ambry Variant Classification Scheme 2023. Collection method: clinical testing. Allele origin: germline.